The following is an entry in ClinVar:

ClinVar aggregate classification (germline): Uncertain significance. Review status: criteria provided, multiple submitters, no conflicts (2 of 4 stars). 4 submissions from 4 submitters: Uncertain significance (4). Last evaluated 2025-06-25.

Conditions:
Cardiomyopathy (CMYO). Also called: Cardiomyopathies. Identifiers: Orphanet 167848, MedGen C0878544, MONDO:0004994, HP:0001638. Inheritance: Various modes of inheritance.
Catecholaminergic polymorphic ventricular tachycardia (CVPT). Also called: Catecholamine-induced polymorphic ventricular tachycardia. Identifiers: Orphanet 3286, MedGen C5574922, MONDO:0017990.
Catecholaminergic polymorphic ventricular tachycardia 1. Also called: VENTRICULAR TACHYCARDIA, CATECHOLAMINERGIC POLYMORPHIC, 1, WITH OR WITHOUT ATRIAL DYSFUNCTION AND/OR DILATED CARDIOMYOPATHY; VENTRICULAR TACHYCARDIA, STRESS-INDUCED POLYMORPHIC 1; RYR2-Related Catecholaminergic Polymorphic Ventricular Tachycardia. Identifiers: Orphanet 3286, MedGen C1631597, MONDO:0011484, OMIM 604772.
Cardiovascular phenotype. Identifiers: MedGen CN230736.

Allele frequency attached by ClinVar (database versions not stated): TOPMed below 0.00001; gnomAD 0.00001; gnomAD exomes 0.00001; ExAC 0.00002.
gnomAD v4.1: 16 of 1,613,780 alleles (0.00099%); highest among the groups gnomAD compares: Admixed American, 0.0017%; no homozygotes.

Submissions (4):

Color Diagnostics, LLC DBA Color Health
Classification: Uncertain significance for Cardiomyopathy. Last evaluated: 2025-06-25. Review status: criteria provided, single submitter. Criteria: ACMG Guidelines, 2015. Collection method: clinical testing. Allele origin: germline.
Comment: This missense variant replaces isoleucine with serine at codon 659 of the RYR2 protein. Computational prediction suggests that this variant may have deleterious impact on protein structure and function. To our knowledge, functional studies have not been reported for this variant. This variant has been reported in an individual affected with unknown arrhythmia (PMID: 30847666) and in an individual suspected to be affected with cardiomyopathy or arrhythmia (PMID: 35947370). This variant has been identified in 2/248898 chromosomes in the general population by the Genome Aggregation Database (gnomAD). The available evidence is insufficient to determine the role of this variant in disease conclusively. Therefore, this variant is classified as a Variant of Uncertain Significance.

Labcorp Genetics (formerly Invitae), Labcorp
Classification: Uncertain significance for Catecholaminergic polymorphic ventricular tachycardia 1. Last evaluated: 2025-03-09. Review status: criteria provided, single submitter. Criteria: Invitae Variant Classification Sherloc (09022015). Collection method: clinical testing. Allele origin: germline.
Comment: This sequence change replaces isoleucine, which is neutral and non-polar, with serine, which is neutral and polar, at codon 659 of the RYR2 protein (p.Ile659Ser). This variant is present in population databases (rs753013388, gnomAD 0.002%). This missense change has been observed in individual(s) with arrhythmia (PMID: 30847666). ClinVar contains an entry for this variant (Variation ID: 926286). Invitae Evidence Modeling of protein sequence and biophysical properties (such as structural, functional, and spatial information, amino acid conservation, physicochemical variation, residue mobility, and thermodynamic stability) indicates that this missense variant is expected to disrupt RYR2 protein function with a positive predictive value of 95%. In summary, the available evidence is currently insufficient to determine the role of this variant in disease. Therefore, it has been classified as a Variant of Uncertain Significance.

All of Us Research Program, National Institutes of Health
Classification: Uncertain significance for Catecholaminergic polymorphic ventricular tachycardia. Last evaluated: 2023-08-15. Review status: criteria provided, single submitter. Criteria: ACMG Guidelines, 2015. Collection method: clinical testing. Allele origin: germline. Inheritance: Autosomal dominant inheritance. Observed: 2 variant alleles, 2 heterozygotes.
Comment: This missense variant replaces isoleucine with serine at codon 659 of the RYR2 protein. Computational prediction tools and conservation analyses suggest that this variant may have deleterious impact on protein function. Computational splicing tools suggest that this variant may not impact RNA splicing. To our knowledge, functional assays have not been performed for this variant nor has this variant been reported in individuals affected with cardiovascular disorders in the literature. This variant has been identified in 2/248898 chromosomes in the general population by the Genome Aggregation Database (gnomAD). Available evidence is insufficient to determine the role of this variant in disease conclusively. Therefore, this variant is classified as a Variant of Uncertain Significance.

This study involves interpretation of variants in research participants for the purpose of population health screening. Participant phenotype was not available at the time of variant classification. Additional details can be found in publication PMID: 35346344, PMCID: PMC8962531

Ambry Genetics
Classification: Uncertain significance for Cardiovascular phenotype. Last evaluated: 2021-12-28. Review status: criteria provided, single submitter. Criteria: Ambry Variant Classification Scheme 2023. Collection method: clinical testing. Allele origin: germline.

Literature cited by the submitters: PubMed 30847666 (cited by Color Diagnostics, LLC DBA Color Health and Labcorp Genetics (formerly Invitae), Labcorp); PubMed 35947370 (cited by Color Diagnostics, LLC DBA Color Health).

NM_001035.3(RYR2):c.1976T>G (p.Ile659Ser)

Gene: RYR2 (ryanodine receptor 2; plus strand). Cytogenetic location: 1q43.
Variant type: single nucleotide variant.
Coding change: c.1976T>G on transcript NM_001035.3 (MANE Select); coding-DNA position 1976, T replaced by G.
Protein change: p.Ile659Ser; replaces isoleucine 659 with serine.
Molecular consequence: missense variant.
Genome position (GRCh38, 1-based): chr1:237,496,525, T>G. VCF-style: chr1-237496525-T-G. GRCh37 (hg19) VCF-style: chr1-237659825-T-G.
Other names: c.1976T>G (NM_001035.2); short protein forms I659S.
Identifiers: ClinVar variation 926286 (VCV000926286.18), dbSNP rs753013388, ClinGen allele CA085938.